The following is an entry in ClinVar:

ClinVar aggregate classification (germline): Uncertain significance (1 of 4 stars; one submission).

Conditions:
GNAS-related disorder. Identifiers: MedGen CN380105.

gnomAD v4.1: 1 of 1,545,222 alleles (0.000065%); highest among the groups gnomAD compares: Non-Finnish European, 0.000087%; no homozygotes.

Submission:

PreventionGenetics, part of Exact Sciences
Classification: Uncertain significance for GNAS-related condition. Last evaluated: 2024-11-02. Review status: criteria provided, single submitter. Criteria: ACMG Guidelines, 2015. Collection method: clinical testing. Allele origin: germline.
Comment: The GNAS c.1486G>T variant is predicted to result in the amino acid substitution p.Ala496Ser. To our knowledge, this variant has not been reported in the literature or in a large population database (gnomAD), indicating this variant is rare. At this time, the clinical significance of this variant is uncertain due to the absence of conclusive functional and genetic evidence.

NM_080425.4(GNAS):c.1486G>T (p.Ala496Ser)

Gene: GNAS (GNAS complex locus; plus strand). Cytogenetic location: 20q13.32.
Variant type: single nucleotide variant.
Coding change: c.1486G>T on transcript NM_080425.4 (MANE Plus Clinical); coding-DNA position 1486, G replaced by T.
Protein change: p.Ala496Ser; replaces alanine 496 with serine.
Molecular consequence: missense variant. On other transcripts: synonymous variant (2), intron variant (3).
Genome position (GRCh38, 1-based): chr20:58,854,751, G>T. VCF-style: chr20-58854751-G-T. GRCh37 (hg19) VCF-style: chr20-57429806-G-T.
Other names: c.1299G>T, p.Gly433= (NM_001077490.3, NM_001309883.1); c.1486G>T, p.Ala496Ser (NM_001410913.1); c.*42+13865G>T (NM_016592.5); c.43+13865G>T (NM_001410912.1); c.-39+12876G>T (NM_001309861.2); short protein forms A496S.
Identifiers: ClinVar variation 4992524 (VCV004992524.1).
Genomic context (GRCh38, chr20:58,854,751, plus strand): 5'-GCCCCTGCGGCTGCTGAGACCCGGGCAGCCCATGTCGCCCCAGCTGCGCCAGACGCAGGG[G>T]CTCCCACTGCCCCAGCCGCTTCTGCCACCCGGGCAGCCCAAGTCCGCCGGGCGGCCTCTG-3'
Protein context (NP_536350.2, residues 486-506): HVAPAAPDAG[Ala496Ser]PTAPAASATR